The following continues an entry in ClinVar:

NM_000070.3(CAPN3):c.1319G>A (p.Arg440Gln)

Gene: CAPN3. ClinVar aggregate classification (germline): Likely pathogenic. Likely pathogenic (1).

Submissions 8 to 17 of 17:

GeneDx
Classification: Pathogenic. Last evaluated: 2024-12-26. Review status: criteria provided, single submitter. Criteria: GeneDx Variant Classification Process June 2021. Collection method: clinical testing. Allele origin: germline. Affected: yes. Not counted in ClinVar's aggregate classification.
Comment: In silico analysis supports that this missense variant has a deleterious effect on protein structure/function; This variant is associated with the following publications: (PMID: 15221789, 18334579, 20694146, 18055493, 15689361, 17236769, 31589614, 21984748, 17994539, 15725583, 30564623, 32906206, 24077912, 32528171, 18854869, 33250842, 19048948, 25326637, 17526799, 33337384, 35169782)

Fulgent Genetics
Classification: Pathogenic for Autosomal recessive limb-girdle muscular dystrophy type 2A; Muscular dystrophy, limb-girdle, autosomal dominant 4. Last evaluated: 2024-04-25. Review status: criteria provided, single submitter. Criteria: ACMG Guidelines, 2015. Collection method: clinical testing. Allele origin: germline. Not counted in ClinVar's aggregate classification.

Baylor Genetics
Classification: Pathogenic for Muscular dystrophy, limb-girdle, autosomal dominant 4. Last evaluated: 2024-03-12. Review status: criteria provided, single submitter. Criteria: ACMG Guidelines, 2015. Collection method: clinical testing. Allele origin: unknown. Not counted in ClinVar's aggregate classification.

Blueprint Genetics
Classification: Pathogenic for CAPN3-related disorders. Last evaluated: 2023-02-14. Review status: criteria provided, single submitter. Criteria: ACMG Guidelines, 2015. Collection method: clinical testing. Allele origin: germline. Affected: yes. Observed: 4 variant alleles. Not counted in ClinVar's aggregate classification.

Athena Diagnostics
Classification: Pathogenic. Last evaluated: 2022-01-26. Review status: criteria provided, single submitter. Criteria: Athena Diagnostics Criteria. Collection method: clinical testing. Allele origin: unknown. Not counted in ClinVar's aggregate classification.
Comment: The frequency of this variant in the general population is consistent with pathogenicity. Experiments in patient-derived samples showed absence or significant reduction in CAPN3 protein level/activity in multiple patients (PMID: 15221789, 17994539, 18055493). In multiple individuals, this variant has been seen with a single recessive pathogenic variant in the same gene, suggesting this variant may also be pathogenic. Computational tools predict that this variant is damaging.

Kariminejad - Najmabadi Pathology & Genetics Center
Classification: Pathogenic for Abnormality of the musculature. Last evaluated: 2021-07-10. Review status: criteria provided, single submitter. Criteria: ACMG Guidelines, 2015. Collection method: clinical testing. Allele origin: germline. Affected: yes. Not counted in ClinVar's aggregate classification.

Mayo Clinic Laboratories, Mayo Clinic
Classification: Pathogenic. Last evaluated: 2020-08-28. Review status: criteria provided, single submitter. Criteria: ACMG Guidelines, 2015. Collection method: clinical testing. Allele origin: germline. Observed: 1 variant allele. Not counted in ClinVar's aggregate classification.
Comment: PS4, PM2, PM3, PM5, PP4

Eurofins Ntd Llc (ga)
Classification: Pathogenic. Last evaluated: 2018-06-05. Review status: criteria provided, single submitter. Criteria: EGL ClinVar v180209 classification definitions. Collection method: clinical testing. Allele origin: germline. Observed: 15 variant alleles, 15 heterozygotes. Not counted in ClinVar's aggregate classification.

Baylor Genetics
Classification: Pathogenic for Autosomal recessive limb-girdle muscular dystrophy type 2A. Last evaluated: 2018-04-25. Review status: criteria provided, single submitter. Criteria: ACMG Guidelines, 2015. Collection method: clinical testing. Allele origin: unknown. Affected: yes. Not counted in ClinVar's aggregate classification.
Comment: This variant was determined to be pathogenic according to ACMG Guidelines, 2015 [PMID:25741868].

Counsyl
Classification: Likely pathogenic for Autosomal recessive limb-girdle muscular dystrophy type 2A. Last evaluated: 2017-05-10. Review status: no assertion criteria provided. Collection method: clinical testing. Allele origin: unknown. Not counted in ClinVar's aggregate classification.

Literature cited by the submitters: PubMed 15221789 (cited by 7 submitters); PubMed 33337384 (cited by Women's Health and Genetics/Laboratory Corporation of America, LabCorp); PubMed 33250842 (cited by Women's Health and Genetics/Laboratory Corporation of America, LabCorp); PubMed 18055493 (cited by 6 submitters); PubMed 19048948 (cited by Labcorp Genetics (formerly Invitae), Labcorp and Mayo Clinic Laboratories, Mayo Clinic); PubMed 20694146 (cited by Labcorp Genetics (formerly Invitae), Labcorp and Athena Diagnostics); PubMed 21984748 (cited by 6 submitters); PubMed 25326637 (cited by Labcorp Genetics (formerly Invitae), Labcorp and Athena Diagnostics); PubMed 35169782 (cited by Natera, Inc.); PubMed 17994539 (cited by 3 submitters); PubMed 15689361 (cited by Athena Diagnostics and Mayo Clinic Laboratories, Mayo Clinic); PubMed 18334579 (cited by Athena Diagnostics and Mayo Clinic Laboratories, Mayo Clinic); PubMed 17526799 (cited by Athena Diagnostics and Mayo Clinic Laboratories, Mayo Clinic); PubMed 17236769 (cited by Athena Diagnostics and Mayo Clinic Laboratories, Mayo Clinic).